The following is an entry in ClinVar:

NM_001162501.2(TNRC6B):c.5227G>C (p.Ala1743Pro)

Gene: TNRC6B (trinucleotide repeat containing adaptor 6B; plus strand). Cytogenetic location: 22q13.1.
Variant type: single nucleotide variant.
Coding change: c.5227G>C on transcript NM_001162501.2 (MANE Select); coding-DNA position 5227, G replaced by C.
Protein change: p.Ala1743Pro; replaces alanine 1743 with proline.
Molecular consequence: missense variant.
Genome position (GRCh38, 1-based): chr22:40,322,966, G>C. VCF-style: chr22-40322966-G-C. GRCh37 (hg19) VCF-style: chr22-40718970-G-C.
Other names: c.2815G>C, p.Ala939Pro (NM_001024843.2); c.4897G>C, p.Ala1633Pro (NM_015088.3); short protein forms A1633P, A1743P, A939P.
Identifiers: ClinVar variation 2653190 (VCV002653190.24), dbSNP rs373502898, ClinGen allele CA10247489.

ClinVar aggregate classification (germline): Likely benign (1 of 4 stars; one submission).

Allele frequency attached by ClinVar (database versions not stated): gnomAD 0.00003; gnomAD exomes 0.00003; TOPMed 0.00005; ESP Exome Variant Server 0.00008; ExAC 0.00013.
gnomAD v4.1: 50 of 1,612,706 alleles (0.0031%); highest among the groups gnomAD compares: Non-Finnish European, 0.004%; no homozygotes.

Submission:

CeGaT Center for Human Genetics Tuebingen
Classification: Likely benign. Last evaluated: 2025-09-01. Review status: criteria provided, single submitter. Criteria: CeGaT Center For Human Genetics Tuebingen Variant Classification Criteria Version 2. Collection method: clinical testing. Allele origin: germline. Affected: yes. Observed: 5 variant alleles.
Comment: TNRC6B: BP4